The following is an entry in ClinVar:

ClinVar aggregate classification (germline): Uncertain significance (1 of 4 stars; one submission).

Conditions:
Spermatogenic failure 18. Identifiers: MedGen C4539783, MONDO:0054615, OMIM 617576.
Ciliary dyskinesia, primary, 37 (CILD37). Also called: CILIARY DYSKINESIA, PRIMARY, 37, WITH OR WITHOUT SITUS INVERSUS. Identifiers: MedGen C4539798, MONDO:0033204, OMIM 617577.

Allele frequency attached by ClinVar (database versions not stated): gnomAD exomes below 0.00001; ExAC 0.00001.
gnomAD v4.1: 2 of 1,612,792 alleles (0.00012%); highest among the groups gnomAD compares: Admixed American, 0.0033%; no homozygotes.

Submission:

Labcorp Genetics (formerly Invitae), Labcorp
Classification: Uncertain significance for Ciliary dyskinesia, primary, 37; Spermatogenic failure 18. Last evaluated: 2024-10-02. Review status: criteria provided, single submitter. Criteria: Invitae Variant Classification Sherloc (09022015). Collection method: clinical testing. Allele origin: germline.
Comment: This sequence change replaces alanine, which is neutral and non-polar, with threonine, which is neutral and polar, at codon 1993 of the DNAH1 protein (p.Ala1993Thr). This variant is present in population databases (rs761406402, gnomAD 0.003%). This variant has not been reported in the literature in individuals affected with DNAH1-related conditions. Invitae Evidence Modeling of protein sequence and biophysical properties (such as structural, functional, and spatial information, amino acid conservation, physicochemical variation, residue mobility, and thermodynamic stability) indicates that this missense variant is not expected to disrupt DNAH1 protein function with a negative predictive value of 80%. In summary, the available evidence is currently insufficient to determine the role of this variant in disease. Therefore, it has been classified as a Variant of Uncertain Significance.

NM_015512.5(DNAH1):c.5977G>A (p.Ala1993Thr)

Gene: DNAH1 (dynein axonemal heavy chain 1; plus strand). Cytogenetic location: 3p21.1.
Variant type: single nucleotide variant.
Coding change: c.5977G>A on transcript NM_015512.5 (MANE Select); coding-DNA position 5977, G replaced by A.
Protein change: p.Ala1993Thr; replaces alanine 1993 with threonine.
Molecular consequence: missense variant.
Genome position (GRCh38, 1-based): chr3:52,369,858, G>A. VCF-style: chr3-52369858-G-A. GRCh37 (hg19) VCF-style: chr3-52403874-G-A.
Other names: short protein forms A1993T.
Identifiers: ClinVar variation 2929872 (VCV002929872.3), dbSNP rs761406402, ClinGen allele CA2434385.